The following is an entry in ClinVar:

NM_001844.5(COL2A1):c.2626-183A>G

Gene: COL2A1 (collagen type II alpha 1 chain; minus strand). Cytogenetic location: 12q13.11.
Variant type: single nucleotide variant.
Coding change: c.2626-183A>G on transcript NM_001844.5 (MANE Select); 183 bases into the intron before coding-DNA position 2626, A replaced by G.
Molecular consequence: intron variant.
Genome position (GRCh38, 1-based): chr12:47,980,245, T>C on the plus strand (A>G on the coding strand, the complement: COL2A1 is on the minus strand). VCF-style: chr12-47980245-T-C. GRCh37 (hg19) VCF-style: chr12-48374028-T-C.
Other names: c.2419-183A>G (NM_033150.3).
Identifiers: ClinVar variation 677907 (VCV000677907.2), dbSNP rs56387272, ClinGen allele CA236522944.

ClinVar aggregate classification (germline): Benign. Review status: criteria provided, multiple submitters, no conflicts (2 of 4 stars). 2 submissions from 2 submitters: Benign (2). Last evaluated 2018-06-14.

Allele frequency attached by ClinVar (database versions not stated): 1000 Genomes Project 0.04892; 1000 Genomes Project 30x 0.05231; TOPMed 0.06652; gnomAD 0.07122 and 0.07423.

Submissions (2):

GeneDx
Classification: Benign. Last evaluated: 2018-06-14. Review status: criteria provided, single submitter. Criteria: GeneDx Variant Classification (06012015). Collection method: clinical testing. Allele origin: germline. Affected: yes.
Comment: This variant is considered likely benign or benign based on one or more of the following criteria: it is a conservative change, it occurs at a poorly conserved position in the protein, it is predicted to be benign by multiple in silico algorithms, and/or has population frequency not consistent with disease.

Breakthrough Genomics
Classification: Benign. Review status: criteria provided, single submitter. Criteria: ACMG Guidelines, 2015. Collection method: not provided. Allele origin: germline. Inheritance: Autosomal dominant inheritance. Affected: yes.